The following is an entry in ClinVar:

NM_001735.3(C5):c.3669C>A (p.Pro1223=)

Gene: C5 (complement C5; minus strand). Cytogenetic location: 9q33.2.
Variant type: single nucleotide variant.
Coding change: c.3669C>A on transcript NM_001735.3 (MANE Select); coding-DNA position 3669, C replaced by A.
Protein change: p.Pro1223=; no amino-acid change (proline 1223 retained).
Molecular consequence: synonymous variant.
Genome position (GRCh38, 1-based): chr9:120,976,895, G>T on the plus strand (C>A on the coding strand, the complement: C5 is on the minus strand). VCF-style: chr9-120976895-G-T. GRCh37 (hg19) VCF-style: chr9-123739173-G-T.
Other names: c.3687C>A, p.Pro1229= (NM_001317163.2).
Identifiers: ClinVar variation 2691310 (VCV002691310.5), dbSNP rs140611859, ClinGen allele CA5217411.
Genomic context (GRCh38, chr9:120,976,895, plus strand): 5'-ACCAGTGTTAGGTACAGAGCTGTCTTTATGCTGAAGATTGTCTTTCCAAAAACGATAAAT[G>T]GGTGGATTACCTGAACATCAACAAATTCCATTCATTAATATGATTAAAAATGTGAATTTG-3'
Protein context (NP_001726.2, residues 1213-1233): KREALVKGNP[Pro1223=]IYRFWKDNLQ

ClinVar aggregate classification (germline): Likely benign. Review status: criteria provided, multiple submitters, no conflicts (2 of 4 stars). 3 submissions from 3 submitters: Likely benign (2). 1 of the submissions does not count toward it. Last evaluated 2025-09-04.

Conditions:
C5-related disorder. Also called: C5-related condition.

Allele frequency attached by ClinVar (database versions not stated): ExAC 0.00005; 1000 Genomes Project 30x 0.00062; ESP Exome Variant Server 0.00023; gnomAD exomes 0.00001; TOPMed 0.00028; gnomAD 0.00019; 1000 Genomes Project 0.00040.
gnomAD v4.1: 48 of 1,613,440 alleles (0.003%); highest among the groups gnomAD compares: African/African-American, 0.055%; no homozygotes.

Submissions (3):

Labcorp Genetics (formerly Invitae), Labcorp
Classification: Likely benign. Last evaluated: 2025-09-04. Review status: criteria provided, single submitter. Criteria: Invitae Variant Classification Sherloc (09022015). Collection method: clinical testing. Allele origin: germline.

Women's Health and Genetics/Laboratory Corporation of America, LabCorp
Classification: Likely benign. Last evaluated: 2023-12-18. Review status: criteria provided, single submitter. Criteria: LabCorp Variant Classification Summary - May 2015. Collection method: clinical testing. Allele origin: germline.

PreventionGenetics, part of Exact Sciences
Classification: Likely benign for C5-related condition. Last evaluated: 2024-01-04. Review status: no assertion criteria provided. Collection method: clinical testing. Allele origin: germline. Not counted in ClinVar's aggregate classification.
Comment: This variant is classified as likely benign based on ACMG/AMP sequence variant interpretation guidelines (Richards et al. 2015 PMID: 25741868, with internal and published modifications).